The following is an entry in ClinVar:

NM_006852.6(TLK2):c.1641C>A (p.Ser547=)

Gene: TLK2 (tousled like kinase 2; plus strand). Cytogenetic location: 17q23.2.
Variant type: single nucleotide variant.
Coding change: c.1641C>A on transcript NM_006852.6 (MANE Select); coding-DNA position 1641, C replaced by A.
Protein change: p.Ser547=; no amino-acid change (serine 547 retained).
Molecular consequence: synonymous variant.
Genome position (GRCh38, 1-based): chr17:62,600,741, C>A. VCF-style: chr17-62600741-C-A. GRCh37 (hg19) VCF-style: chr17-60678102-C-A.
Other names: c.1707C>A, p.Ser569= (NM_001284333.3); c.1545C>A, p.Ser515= (NM_001284363.1, NM_001375272.1); c.1194C>A, p.Ser398= (NM_001330418.3, NM_001375273.1); c.1683C>A, p.Ser561= (NM_001375269.1); c.1641C>A, p.Ser547= (NM_001375270.1, NM_001375271.1); c.1356C>A, p.Ser452= (NM_001411074.1).
Identifiers: ClinVar variation 3257079 (VCV003257079.17).
Genomic context (GRCh38, chr17:62,600,741, plus strand): 5'-AAATGATCTGGACTTCTACCTGAAACAGCACAAATTAATGTCGGAGAAAGAGGCCCGGTC[C>A]ATTATCATGCAGATTGTGAATGCTTTAAAGTACTTAAATGAAATAAAACCTCCCATCATA-3'
Protein context (NP_006843.2, residues 537-557): HKLMSEKEAR[Ser547=]IIMQIVNALK

ClinVar aggregate classification (germline): Likely benign (1 of 4 stars; one submission).

gnomAD v4.1: 174 of 1,613,552 alleles (0.011%); highest among the groups gnomAD compares: South Asian, 0.18%; 1 homozygote.

Submission:

CeGaT Center for Human Genetics Tuebingen
Classification: Likely benign. Last evaluated: 2026-09-01. Review status: criteria provided, single submitter. Criteria: CeGaT Center For Human Genetics Tuebingen Variant Classification Criteria Version 2. Collection method: clinical testing. Allele origin: germline. Affected: yes. Observed: 2 variant alleles.
Comment: TLK2: BP4, BP7, BS1